The following is an entry in ClinVar:

NM_000031.6(ALAD):c.*871C>A

Gene: ALAD (aminolevulinate dehydratase; minus strand). Cytogenetic location: 9q32.
Variant type: single nucleotide variant.
Coding change: c.*871C>A on transcript NM_000031.6 (MANE Select); 871 bases downstream of the stop codon, C replaced by A.
Molecular consequence: 3 prime UTR variant.
Genome position (GRCh38, 1-based): chr9:113,387,429, G>T on the plus strand (C>A on the coding strand, the complement: ALAD is on the minus strand). VCF-style: chr9-113387429-G-T. GRCh37 (hg19) VCF-style: chr9-116149709-G-T.
Other names: c.*871C>A (NM_001003945.3, NM_001317745.2).
Identifiers: ClinVar variation 364628 (VCV000364628.5), dbSNP rs8177822, ClinGen allele CA10626237.

ClinVar aggregate classification (germline): Benign (1 of 4 stars; one submission).

Conditions:
Porphobilinogen synthase deficiency. Also called: ALAD DEFICIENCY; DELTA-AMINOLEVULINATE DEHYDRATASE DEFICIENCY; DOSS PORPHYRIA; PORPHYRIA, ALAD; Porphyria due to ALA dehydratase deficiency. Identifiers: Orphanet 100924, MedGen C0268328, MONDO:0013000, OMIM 612740.

Allele frequency attached by ClinVar (database versions not stated): 1000 Genomes Project 0.03754; 1000 Genomes Project 30x 0.04029; TOPMed 0.03069.

Submission:

Illumina Laboratory Services, Illumina
Classification: Benign for Porphobilinogen synthase deficiency. Last evaluated: 2018-01-12. Review status: criteria provided, single submitter. Criteria: ICSL Variant Classification Criteria 13 December 2019. Collection method: clinical testing. Allele origin: germline.
Comment: This variant was observed in the ICSL laboratory as part of a predisposition screen in an ostensibly healthy population. It had not been previously curated by ICSL or reported in the Human Gene Mutation Database (HGMD: prior to June 1st, 2018), and was therefore a candidate for classification through an automated scoring system. Utilizing variant allele frequency, disease prevalence and penetrance estimates, and inheritance mode, an automated score was calculated to assess if this variant is too frequent to cause the disease. Based on the score and internal cut-off values, a variant classified as benign is not then subjected to further curation. The score for this variant resulted in a classification of benign for this disease.